The following is an entry in ClinVar:

ClinVar aggregate classification (germline): Uncertain significance (1 of 4 stars; one submission).

Conditions:
Hereditary cancer-predisposing syndrome. Also called: Hereditary neoplastic syndrome; Tumor predisposition; Hereditary Cancer Syndrome; Neoplastic Syndromes, Hereditary. Identifiers: Orphanet 140162, MedGen C0027672, MeSH D009386, MONDO:0015356.

Submission:

Ambry Genetics
Classification: Uncertain significance for Hereditary cancer-predisposing syndrome. Last evaluated: 2023-06-24. Review status: criteria provided, single submitter. Criteria: Ambry Variant Classification Scheme 2023. Collection method: clinical testing. Allele origin: germline.
Comment: The p.E2089D variant (also known as c.6267A>C), located in coding exon 15 of the APC gene, results from an A to C substitution at nucleotide position 6267. The glutamic acid at codon 2089 is replaced by aspartic acid, an amino acid with highly similar properties. This amino acid position is conserved. In addition, in silico predictors for this gene do not accurately predict pathogenicity. Since supporting evidence is limited at this time, the clinical significance of this alteration remains unclear.

NM_000038.6(APC):c.6267A>C (p.Glu2089Asp)

Gene: APC (APC regulator of Wnt signaling pathway; plus strand). Cytogenetic location: 5q22.2.
Variant type: single nucleotide variant.
Coding change: c.6267A>C on transcript NM_000038.6 (MANE Select); coding-DNA position 6267, A replaced by C.
Protein change: p.Glu2089Asp; replaces glutamic acid 2089 with aspartic acid.
Molecular consequence: missense variant. On other transcripts: non-coding transcript variant (2).
Genome position (GRCh38, 1-based): chr5:112,841,861, A>C. VCF-style: chr5-112841861-A-C. GRCh37 (hg19) VCF-style: chr5-112177558-A-C.
Other names: c.6267A>C, p.Glu2089Asp (NM_001127510.3, NM_001354895.2, NM_001407450.1); c.6213A>C, p.Glu2071Asp (NM_001127511.3); c.6321A>C, p.Glu2107Asp (NM_001354896.2, NM_001407447.1, NM_001407448.1 and 1 more transcripts); c.6297A>C, p.Glu2099Asp (NM_001354897.2); c.6192A>C, p.Glu2064Asp (NM_001354898.2); c.6183A>C, p.Glu2061Asp (NM_001354899.2); c.6144A>C, p.Glu2048Asp (NM_001354900.2); c.6090A>C, p.Glu2030Asp (NM_001354901.2, NM_001407453.1); and 11 more; short protein forms E1963D, E2089D, E2107D, E1806D, E1960D, E1998D, E2030D, E2082D.
Identifiers: ClinVar variation 2586989 (VCV002586989.2), dbSNP rs2149961047, ClinGen allele CA16035054.